The following is an entry in ClinVar:

ClinVar aggregate classification (germline): Likely benign (1 of 4 stars; one submission).

gnomAD v4.1: 1 of 1,614,214 alleles (0.000062%); highest among the groups gnomAD compares: Non-Finnish European, 0.000085%; no homozygotes.

Submission:

CeGaT Center for Human Genetics Tuebingen
Classification: Likely benign. Last evaluated: 2026-03-01. Review status: criteria provided, single submitter. Criteria: CeGaT Center For Human Genetics Tuebingen Variant Classification Criteria Version 2. Collection method: clinical testing. Allele origin: germline. Affected: yes. Observed: 1 variant allele.
Comment: JAG1: BP4, BP7

NM_000214.3(JAG1):c.2844C>T (p.Cys948=)

Gene: JAG1 (jagged canonical Notch ligand 1; minus strand). Cytogenetic location: 20p12.2.
Variant type: single nucleotide variant.
Coding change: c.2844C>T on transcript NM_000214.3 (MANE Select); coding-DNA position 2844, C replaced by T.
Protein change: p.Cys948=; no amino-acid change (cysteine 948 retained).
Molecular consequence: synonymous variant.
Genome position (GRCh38, 1-based): chr20:10,641,532, G>A on the plus strand (C>T on the coding strand, the complement: JAG1 is on the minus strand). VCF-style: chr20-10641532-G-A. GRCh37 (hg19) VCF-style: chr20-10622180-G-A.
Identifiers: ClinVar variation 4823772 (VCV004823772.4).
Genomic context (GRCh38, chr20:10,641,532, plus strand): 5'-CTCCTTGTTAAAGGTAAATGTGATGTTCGCACAGTTATCCTGGTAATAGGAGTCAGAGGT[G>A]CACTTTGTCTTCACCGGCTGGAGACTGGAAGACCGACACTCGCCCACACCAGTGCAGGGG-3'
Protein context (NP_000205.1, residues 938-958): SSSLQPVKTK[Cys948=]TSDSYYQDNC